The following is an entry in ClinVar:

NM_001384732.1(CPLANE1):c.3181C>T (p.Arg1061Cys)

Gene: CPLANE1 (ciliogenesis and planar polarity effector complex subunit 1; minus strand). Cytogenetic location: 5p13.2.
Variant type: single nucleotide variant.
Coding change: c.3181C>T on transcript NM_001384732.1 (MANE Select); coding-DNA position 3181, C replaced by T.
Protein change: p.Arg1061Cys; replaces arginine 1061 with cysteine.
Molecular consequence: missense variant.
Genome position (GRCh38, 1-based): chr5:37,205,423, G>A on the plus strand (C>T on the coding strand, the complement: CPLANE1 is on the minus strand). VCF-style: chr5-37205423-G-A. GRCh37 (hg19) VCF-style: chr5-37205525-G-A.
Other names: c.3181C>T, p.Arg1061Cys (NM_023073.4); short protein forms R1061C.
Identifiers: ClinVar variation 1507966 (VCV001507966.6), dbSNP rs199563006, ClinGen allele CA3238985.

ClinVar aggregate classification (germline): Uncertain significance. Review status: criteria provided, multiple submitters, no conflicts (2 of 4 stars). 2 submissions from 2 submitters: Uncertain significance (2). Last evaluated 2022-05-17.

Allele frequency attached by ClinVar (database versions not stated): gnomAD 0.00003 and 0.00004; ExAC 0.00005; TOPMed 0.00005; gnomAD exomes 0.00007 and 0.00009.
gnomAD v4.1: 132 of 1,546,804 alleles (0.0085%); highest among the groups gnomAD compares: Non-Finnish European, 0.01%; no homozygotes.

Submissions (2):

Labcorp Genetics (formerly Invitae), Labcorp
Classification: Uncertain significance. Last evaluated: 2022-05-17. Review status: criteria provided, single submitter. Criteria: Invitae Variant Classification Sherloc (09022015). Collection method: clinical testing. Allele origin: germline.
Comment: This sequence change replaces arginine, which is basic and polar, with cysteine, which is neutral and slightly polar, at codon 1061 of the CPLANE1 protein (p.Arg1061Cys). This variant is present in population databases (rs199563006, gnomAD 0.01%). This variant has not been reported in the literature in individuals affected with CPLANE1-related conditions. Advanced modeling of protein sequence and biophysical properties (such as structural, functional, and spatial information, amino acid conservation, physicochemical variation, residue mobility, and thermodynamic stability) performed at Invitae indicates that this missense variant is not expected to disrupt CPLANE1 protein function. In summary, the available evidence is currently insufficient to determine the role of this variant in disease. Therefore, it has been classified as a Variant of Uncertain Significance.

Blueprint Genetics
Classification: Uncertain significance. Last evaluated: 2020-05-15. Review status: criteria provided, single submitter. Criteria: ACMG Guidelines, 2015. Collection method: clinical testing. Allele origin: germline.